The following is an entry in ClinVar:

ClinVar aggregate classification (germline): Uncertain significance (1 of 4 stars; one submission).

Conditions:
Familial thoracic aortic aneurysm and aortic dissection (TAAD). Also called: Thoracic aortic aneurysms and dissections. Identifiers: Orphanet 91387, MedGen C4707243, MONDO:0019625.

Submission:

Labcorp Genetics (formerly Invitae), Labcorp
Classification: Uncertain significance for Familial thoracic aortic aneurysm and aortic dissection. Last evaluated: 2025-07-06. Review status: criteria provided, single submitter. Criteria: Invitae Variant Classification Sherloc (09022015). Collection method: clinical testing. Allele origin: germline.
Comment: This sequence change replaces valine, which is neutral and non-polar, with methionine, which is neutral and non-polar, at codon 186 of the MAT2A protein (p.Val186Met). This variant is not present in population databases (gnomAD no frequency). This variant has not been reported in the literature in individuals affected with MAT2A-related conditions. Invitae Evidence Modeling of protein sequence and biophysical properties (such as structural, functional, and spatial information, amino acid conservation, physicochemical variation, residue mobility, and thermodynamic stability) indicates that this missense variant is not expected to disrupt MAT2A protein function with a negative predictive value of 80%. In summary, the available evidence is currently insufficient to determine the role of this variant in disease. Therefore, it has been classified as a Variant of Uncertain Significance.

NM_005911.6(MAT2A):c.556G>A (p.Val186Met)

Genes: GGCX (gamma-glutamyl carboxylase; minus strand), MAT2A (methionine adenosyltransferase 2A; plus strand). Cytogenetic location: 2p11.2.
Variant type: single nucleotide variant.
Coding change: c.556G>A on transcript NM_005911.6 (MANE Select); coding-DNA position 556, G replaced by A.
Protein change: p.Val186Met; replaces valine 186 with methionine.
Molecular consequence: missense variant.
Genome position (GRCh38, 1-based): chr2:85,542,161, G>A. VCF-style: chr2-85542161-G-A. GRCh37 (hg19) VCF-style: chr2-85769284-G-A.
Other names: short protein forms V186M.
Identifiers: ClinVar variation 4746424 (VCV004746424.1).